The following is an entry in ClinVar:

NM_018082.6(POLR3B):c.991A>G (p.Lys331Glu)

Gene: POLR3B (RNA polymerase III subunit B; plus strand). Cytogenetic location: 12q23.3.
Variant type: single nucleotide variant.
Coding change: c.991A>G on transcript NM_018082.6 (MANE Select); coding-DNA position 991, A replaced by G.
Protein change: p.Lys331Glu; replaces lysine 331 with glutamic acid.
Molecular consequence: missense variant.
Genome position (GRCh38, 1-based): chr12:106,410,850, A>G. VCF-style: chr12-106410850-A-G. GRCh37 (hg19) VCF-style: chr12-106804628-A-G.
Other names: c.817A>G, p.Lys273Glu (NM_001160708.2); short protein forms K331E, K273E.
Identifiers: ClinVar variation 3648498 (VCV003648498.2).

ClinVar aggregate classification (germline): Uncertain significance (1 of 4 stars; one submission).

gnomAD v4.1: 8 of 1,614,016 alleles (0.0005%); highest among the groups gnomAD compares: Non-Finnish European, 0.00068%; no homozygotes.

Submission:

Labcorp Genetics (formerly Invitae), Labcorp
Classification: Uncertain significance. Last evaluated: 2024-04-10. Review status: criteria provided, single submitter. Criteria: Invitae Variant Classification Sherloc (09022015). Collection method: clinical testing. Allele origin: germline.
Comment: This sequence change replaces lysine, which is basic and polar, with glutamic acid, which is acidic and polar, at codon 331 of the POLR3B protein (p.Lys331Glu). This variant is not present in population databases (gnomAD no frequency). This variant has not been reported in the literature in individuals affected with POLR3B-related conditions. Advanced modeling of protein sequence and biophysical properties (such as structural, functional, and spatial information, amino acid conservation, physicochemical variation, residue mobility, and thermodynamic stability) performed at Invitae indicates that this missense variant is expected to disrupt POLR3B protein function with a positive predictive value of 80%. In summary, the available evidence is currently insufficient to determine the role of this variant in disease. Therefore, it has been classified as a Variant of Uncertain Significance.